The following is an entry in ClinVar:

NM_001267550.2(TTN):c.85979T>C (p.Ile28660Thr)

Genes: TTN (titin; minus strand), TTN-AS1 (TTN antisense RNA 1; plus strand). Cytogenetic location: 2q31.2.
Variant type: single nucleotide variant.
Coding change: c.85979T>C on transcript NM_001267550.2 (MANE Select); coding-DNA position 85979, T replaced by C.
Protein change: p.Ile28660Thr; replaces isoleucine 28660 with threonine.
Molecular consequence: missense variant.
Genome position (GRCh38, 1-based): chr2:178,560,153, A>G on the plus strand (T>C on the coding strand, the complement: TTN is on the minus strand). VCF-style: chr2-178560153-A-G. GRCh37 (hg19) VCF-style: chr2-179424880-A-G.
Other names: c.78275T>C, p.Ile26092Thr (NM_133378.4); c.81056T>C, p.Ile27019Thr (NM_001256850.1); c.58784T>C, p.Ile19595Thr (NM_003319.4); c.59159T>C, p.Ile19720Thr (NM_133432.3); c.59360T>C, p.Ile19787Thr (NM_133437.4); short protein forms I28660T, I26092T, I19595T, I19720T, I19787T, I27019T.
Identifiers: ClinVar variation 47450 (VCV000047450.15), dbSNP rs397517733, ClinGen allele CA141043.

ClinVar aggregate classification (germline): Conflicting classifications of pathogenicity. Review status: criteria provided, conflicting classifications (1 of 4 stars). 5 submissions from 5 submitters: Uncertain significance (4); Likely benign (1). Last evaluated 2025-09-01.

Conditions:
TTN-related disorder. Also called: TTN-related condition; TTN-related disease; TTN-related disorders.
Cardiovascular phenotype. Identifiers: MedGen CN230736.
Autosomal recessive limb-girdle muscular dystrophy type 2J (LGMDR10). Also called: Limb-girdle muscular dystrophy, type 2J; MUSCULAR DYSTROPHY, LIMB-GIRDLE, AUTOSOMAL RECESSIVE 10. Identifiers: Orphanet 140922, MedGen C1837342, MONDO:0012127, OMIM 608807.
Dilated cardiomyopathy 1G (CMD1G). Identifiers: Orphanet 154, MedGen C1858763, MONDO:0011400, OMIM 604145.

Allele frequency attached by ClinVar (database versions not stated): gnomAD 0.00001; ExAC 0.00002; gnomAD exomes 0.00002 and 0.00003; TOPMed 0.00002.
gnomAD v4.1: 47 of 1,613,428 alleles (0.0029%); highest among the groups gnomAD compares: South Asian, 0.0055%; 1 homozygote.

Submissions (5):

PreventionGenetics, part of Exact Sciences
Classification: Uncertain significance for TTN-related condition. Last evaluated: 2025-09-01. Review status: criteria provided, single submitter. Criteria: ACMG Guidelines, 2015. Collection method: clinical testing. Allele origin: germline.
Comment: The TTN c.85979T>C variant is predicted to result in the amino acid substitution p.Ile28660Thr. This variant has been reported in a cohort study of individuals with QT interval variation (Kapoor et al. 2016, PubMed ID: 27321809). It has also been reported as a de novo variant in a large cohort study, although no case-level clinical information was provided (Table S1, Kaplanis et al. 2020, PubMed ID: 33057194). In addition, this variant has been identified in a cohort study of individuals with left ventricular noncompaction (Table S2, Mazzarotto et al. 2021, PubMed ID: 33500567). This variant is reported in 0.0098% of alleles in individuals of South Asian descent in gnomAD. At this time, the clinical significance of this variant is uncertain due to the absence of conclusive functional and genetic evidence.

Ambry Genetics
Classification: Likely benign for Cardiovascular phenotype. Last evaluated: 2025-02-06. Review status: criteria provided, single submitter. Criteria: Ambry Variant Classification Scheme 2023. Collection method: clinical testing. Allele origin: germline.

Revvity Omics, Revvity
Classification: Uncertain significance. Last evaluated: 2021-03-19. Review status: criteria provided, single submitter. Criteria: ACMG Guidelines, 2015. Collection method: clinical testing. Allele origin: germline.

Laboratory for Molecular Medicine, Mass General Brigham Personalized Medicine
Classification: Uncertain significance. Last evaluated: 2020-01-10. Review status: criteria provided, single submitter. Criteria: LMM Criteria. Collection method: clinical testing. Allele origin: germline. Observed: 1 variant allele.
Comment: This variant has also been reported in ClinVar (Variation ID 47450). Computational prediction tools and conservation analysis do not provide strong support for or against an impact to the protein. In summary, the clinical significance of this variant is uncertain. ACMG/AMP Criteria applied: none.

Labcorp Genetics (formerly Invitae), Labcorp
Classification: Uncertain significance for Dilated cardiomyopathy 1G; Autosomal recessive limb-girdle muscular dystrophy type 2J. Last evaluated: 2017-11-06. Review status: criteria provided, single submitter. Criteria: Invitae Variant Classification Sherloc (09022015). Collection method: clinical testing. Allele origin: germline.

Literature cited by the submitters: PubMed 27321809 (cited by Laboratory for Molecular Medicine, Mass General Brigham Personalized Medicine).